The following is an entry in ClinVar:

NM_001377265.1(MAPT):c.1676A>G (p.Asn559Ser)

Gene: MAPT (microtubule associated protein tau). Cytogenetic location: 17q21.31.
Variant type: single nucleotide variant.
Coding change: c.1676A>G on transcript NM_001377265.1 (MANE Select); coding-DNA position 1676, A replaced by G.
Protein change: p.Asn559Ser; replaces asparagine 559 with serine.
Molecular consequence: missense variant. On other transcripts: non-coding transcript variant (1).
Genome position (GRCh38, 1-based): chr17:45,991,530, A>G. VCF-style: chr17-45991530-A-G. GRCh37 (hg19) VCF-style: chr17-44068896-A-G.
Other names: p.Asn167Ser; c.1451A>G (NM_001123066.3); c.1451A>G, p.Asn484Ser (NM_001123066.4, NM_016835.5); c.413A>G, p.Asn138Ser (NM_001123067.4, NM_001203251.2, NM_001377267.1); c.500A>G, p.Asn167Ser (NM_001203252.2, NM_005910.6); c.1478A>G, p.Asn493Ser (NM_001377266.1); c.326A>G, p.Asn109Ser (NM_001377268.1, NM_016834.5, NM_016841.5); short protein forms N109S, N138S, N167S, N484S, N493S, N559S.
Identifiers: ClinVar variation 985993 (VCV000985993.7), dbSNP rs150420625, ClinGen allele CA8617973.

ClinVar aggregate classification (germline): Conflicting classifications of pathogenicity. Review status: criteria provided, conflicting classifications (1 of 4 stars). 5 submissions from 5 submitters: Uncertain significance (4); Likely benign (1). Last evaluated 2026-05-04.

Conditions:
Inborn genetic diseases. Identifiers: MedGen C0950123, MeSH D030342.
MAPT-related disorder. Also called: MAPT-Related Disorders; MAPT-related condition.
Frontotemporal dementia (FTD1). Also called: MULTIPLE SYSTEM TAUOPATHY WITH PRESENILE DEMENTIA; Frontotemporal Dementia with Parkinsonism-17 (FTDP-17); WILHELMSEN-LYNCH DISEASE; FRONTOTEMPORAL LOBAR DEGENERATION WITH TAU INCLUSIONS; FTLD WITH TAU INCLUSIONS; FRONTOTEMPORAL DEMENTIA WITH PARKINSONISM. Identifiers: Orphanet 282, MedGen C0338451, MONDO:0017276, OMIM 600274, HP:0002145.

Allele frequency attached by ClinVar (database versions not stated): ExAC 0.00002; gnomAD exomes 0.00003 and 0.00004; TOPMed 0.00006; gnomAD 0.00007; ESP Exome Variant Server 0.00015.
gnomAD v4.1: 71 of 1,614,056 alleles (0.0044%); highest among the groups gnomAD compares: African/African-American, 0.015%; no homozygotes.

Submissions (5):

PreventionGenetics, part of Exact Sciences
Classification: Uncertain significance for MAPT-related condition. Last evaluated: 2026-05-04. Review status: criteria provided, single submitter. Criteria: ACMG Guidelines, 2015. Collection method: clinical testing. Allele origin: germline.
Comment: The MAPT c.1451A>G variant is predicted to result in the amino acid substitution p.Asn484Ser. This variant, alternately referred to p.Asn167Ser in transcript NM_001203252, has been reported in an individual with early onset frontotemporal dementia (Table S3, Koriath et al. 2018. PubMed ID: 30279455). This variant is reported in 0.020% of alleles in individuals of African descent in gnomAD, and is consistently interpreted as uncertain in the ClinVar database (Variation ID: 985993). At this time, the clinical significance of this variant is uncertain due to the absence of conclusive functional and genetic evidence.

Mayo Clinic Laboratories, Mayo Clinic
Classification: Uncertain significance. Last evaluated: 2025-03-18. Review status: criteria provided, single submitter. Criteria: ACMG Guidelines, 2015. Collection method: clinical testing. Allele origin: germline. Observed: 1 variant allele.
Comment: BP4_moderate

Labcorp Genetics (formerly Invitae), Labcorp
Classification: Uncertain significance for Frontotemporal dementia. Last evaluated: 2025-02-26. Review status: criteria provided, single submitter. Criteria: Invitae Variant Classification Sherloc (09022015). Collection method: clinical testing. Allele origin: germline.
Comment: This sequence change replaces asparagine, which is neutral and polar, with serine, which is neutral and polar, at codon 167 of the MAPT protein (p.Asn167Ser). This variant is present in population databases (rs150420625, gnomAD 0.01%). This missense change has been observed in individual(s) with frontotemporal dementia (PMID: 30279455). ClinVar contains an entry for this variant (Variation ID: 985993). Invitae Evidence Modeling of protein sequence and biophysical properties (such as structural, functional, and spatial information, amino acid conservation, physicochemical variation, residue mobility, and thermodynamic stability) indicates that this missense variant is not expected to disrupt MAPT protein function with a negative predictive value of 80%. In summary, the available evidence is currently insufficient to determine the role of this variant in disease. Therefore, it has been classified as a Variant of Uncertain Significance.

Athena Diagnostics
Classification: Likely benign. Last evaluated: 2019-12-30. Review status: criteria provided, single submitter. Criteria: Athena Diagnostics Criteria. Collection method: clinical testing. Allele origin: unknown.

Ambry Genetics
Classification: Uncertain significance for Inborn genetic diseases. Last evaluated: 2018-01-01. Review status: criteria provided, single submitter. Criteria: Ambry exome assertion method (8-5-2015). Collection method: clinical testing. Allele origin: germline. Affected: yes. Observed: 1 variant allele.

Literature cited by the submitters: PubMed 30279455 (cited by 3 submitters).